The following is an entry in ClinVar:

ClinVar aggregate classification (germline): Uncertain significance (1 of 4 stars; one submission).

Submission:

Women's Health and Genetics/Laboratory Corporation of America, LabCorp
Classification: Uncertain significance. Last evaluated: 2025-01-21. Review status: criteria provided, single submitter. Criteria: LabCorp Variant Classification Summary - May 2015. Collection method: clinical testing. Allele origin: germline.
Comment: Variant summary: The variant involves the duplication of exons 39-40 in the DNMT1 gene. A presumed nomenclature of c.(4656+1_4657-1)_(4864+1_4865-1)dup has been designated for the purposes of this classification. It is assumed to be a tandem duplication in direct orientation (PMIDs: 25640679, 30054569). This Copy Number Variant (CNV) is expected to alter the reading frame and predicted to result in a truncation or absence of the encoded protein due to nonsense mediated decay (NMD). The variant was absent in 19678 control chromosomes. The available data on variant occurrences in the general population are insufficient to allow any conclusion about variant significance. To our knowledge, no occurrence of similar copy number variants in individuals affected with DNMT1-related conditions and no experimental evidence demonstrating its impact on protein function have been reported. No submitters have cited clinical-significance assessments for this variant to ClinVar. Based on the evidence outlined above, the variant was classified as uncertain significance.

NC_000019.9:g.(10244378_10244892)_(10246529_10246796)dup

Gene: DNMT1 (DNA methyltransferase 1; minus strand). Cytogenetic location: 19p13.2.
Variant type: Duplication.
Identifiers: ClinVar variation 3769490 (VCV003769490.2).